The following is an entry in ClinVar:

NM_004006.3(DMD):c.4046C>G (p.Ser1349Cys)

Gene: DMD (dystrophin; minus strand). Cytogenetic location: Xp21.1.
Variant type: single nucleotide variant.
Coding change: c.4046C>G on transcript NM_004006.3 (MANE Select); coding-DNA position 4046, C replaced by G.
Protein change: p.Ser1349Cys; replaces serine 1349 with cysteine.
Molecular consequence: missense variant.
Genome position (GRCh38, 1-based): chrX:32,438,266, G>C on the plus strand (C>G on the coding strand, the complement: DMD is on the minus strand). VCF-style: chrX-32438266-G-C. GRCh37 (hg19) VCF-style: chrX-32456383-G-C.
Other names: c.4022C>G, p.Ser1341Cys (NM_000109.4); c.4034C>G, p.Ser1345Cys (NM_004009.3); c.3677C>G, p.Ser1226Cys (NM_004010.3); short protein forms S1349C, S1341C, S1345C, S1226C.
Identifiers: ClinVar variation 515433 (VCV000515433.13), dbSNP rs763514033, ClinGen allele CA10379127.

ClinVar aggregate classification (germline): Conflicting classifications of pathogenicity. Review status: criteria provided, conflicting classifications (1 of 4 stars). 4 submissions from 4 submitters: Uncertain significance (2); Likely benign (2). Last evaluated 2024-11-29.

Conditions:
Cardiovascular phenotype. Identifiers: MedGen CN230736.
Duchenne muscular dystrophy (DMD). Also called: Duchenne Muscular Dystrophy (DMD); MUSCULAR DYSTROPHY, PSEUDOHYPERTROPHIC PROGRESSIVE, DUCHENNE TYPE. Identifiers: Orphanet 98896, MedGen C0013264, MONDO:0010679, OMIM 310200.

Allele frequency attached by ClinVar (database versions not stated): ExAC 0.00001; gnomAD 0.00003; TOPMed 0.00004.
gnomAD v4.1: 4 of 1,209,422 alleles (0.00033%); highest among the groups gnomAD compares: African/African-American, 0.007%; no homozygotes.

Submissions (4):

Women's Health and Genetics/Laboratory Corporation of America, LabCorp
Classification: Uncertain significance. Last evaluated: 2024-11-29. Review status: criteria provided, single submitter. Criteria: LabCorp Variant Classification Summary - May 2015. Collection method: clinical testing. Allele origin: germline.

Labcorp Genetics (formerly Invitae), Labcorp
Classification: Likely benign for Duchenne muscular dystrophy. Last evaluated: 2024-08-31. Review status: criteria provided, single submitter. Criteria: Invitae Variant Classification Sherloc (09022015). Collection method: clinical testing. Allele origin: germline.

Ambry Genetics
Classification: Uncertain significance for Cardiovascular phenotype. Last evaluated: 2022-11-09. Review status: criteria provided, single submitter. Criteria: Ambry Variant Classification Scheme 2023. Collection method: clinical testing. Allele origin: germline.
Comment: The p.S1349C variant (also known as c.4046C>G), located in coding exon 29 of the DMD gene, results from a C to G substitution at nucleotide position 4046. The serine at codon 1349 is replaced by cysteine, an amino acid with dissimilar properties. Based on data from gnomAD, the G allele has an overall frequency of 0.0015% (3/204738) total alleles studied, with 2 hemizygotes observed. The highest observed frequency was 0.0158% (3/19043) of African/African American alleles. This amino acid position is well conserved in available vertebrate species. In addition, this alteration is predicted to be tolerated by in silico analysis. Since supporting evidence is limited at this time, the clinical significance of this alteration remains unclear.

GeneDx
Classification: Likely benign. Last evaluated: 2018-02-16. Review status: criteria provided, single submitter. Criteria: GeneDx Variant Classification (06012015). Collection method: clinical testing. Allele origin: germline. Affected: yes.
Comment: This variant is considered likely benign or benign based on one or more of the following criteria: it is a conservative change, it occurs at a poorly conserved position in the protein, it is predicted to be benign by multiple in silico algorithms, and/or has population frequency not consistent with disease.